The following is an entry in ClinVar:

NM_018055.5(NODAL):c.735del (p.Gln245fs)

Gene: NODAL (nodal growth differentiation factor; minus strand). Cytogenetic location: 10q22.1.
Variant type: Deletion.
Coding change: c.735del on transcript NM_018055.5 (MANE Select); coding-DNA position 735, one base deleted (A; older notation c.735delA).
Protein change: p.Gln245fs; shifts the reading frame from glutamine 245.
Molecular consequence: frameshift variant.
Genome position (GRCh38, 1-based): chr10:70,435,442, T deleted on the plus strand (A on the coding strand, the reverse complement: NODAL is on the minus strand); the first of 2 consecutive T bases (chr10:70,435,442-70,435,443); deleting either gives the same sequence. VCF-style (leftmost placement, unchanged base first): chr10-70435441-GT-G. GRCh37 (hg19) VCF-style: chr10-72195197-GT-G.
Other names: c.336del, p.Gln112fs (NM_001329906.2); short protein forms Q112fs, Q245fs.
Identifiers: ClinVar variation 3255023 (VCV003255023.2), dbSNP rs2493085626.

ClinVar aggregate classification (germline): Likely pathogenic (1 of 4 stars; one submission).

Conditions:
Heterotaxy, visceral, 5, autosomal (HTX5). Also called: Heterotaxy, visceral, 5. Identifiers: Orphanet 450, MedGen C3495537, MONDO:0700112, OMIM 270100.

Submission:

Victorian Clinical Genetics Services, Murdoch Childrens Research Institute
Classification: Likely pathogenic for Heterotaxy, visceral, 5, autosomal. Last evaluated: 2024-09-22. Review status: criteria provided, single submitter. Criteria: ACMG Guidelines, 2015. Collection method: clinical testing. Allele origin: germline. Inheritance: Autosomal dominant inheritance. Affected: yes.
Comment: Based on the classification scheme VCGS_Germline_v1.3.4, this variant is classified as Likely Pathogenic. Following criteria are met: 0102 - Loss of function is a known mechanism of disease in this gene and is associated with visceral heterotaxy 5 (MIM#270100). (I) 0107 - This gene is associated with autosomal dominant disease. (I) 0201 - Variant is predicted to cause nonsense-mediated decay (NMD) and loss of protein (premature termination codon is located at least 54 nucleotides upstream of the final exon-exon junction). (SP) 0251 - This variant is heterozygous. (I) 0301 - Variant is absent from gnomAD (both v2 and v3). (SP) 0702 - Other NMD-predicted variants comparable to the one identified in this case have strong previous evidence for pathogenicity. There are multiple NMD-predicted variants that have been classified as pathogenic or likely pathogenic in ClinVar and the literature in individuals with laterality defects including total anomalous pulmonary venous return, or congenital heart disease (PMID: 30293987, 26121141). In addition, there is one VUS entry for an NMD-predicted variant in ClinVar. (SP) 0807 - This variant has no previous evidence of pathogenicity. (I) 0905 - No published segregation evidence has been identified for this variant. (I) 1007 - No published functional evidence has been identified for this variant. (I) Legend: (SP) - Supporting pathogenic, (I) - Information, (SB) - Supporting benign

Literature cited by the submitters: PubMed 26121141; PubMed 30293987.